The following is an entry in ClinVar:

ClinVar aggregate classification (germline): Benign (0 of 4 stars; one submission).

Conditions:
EPPK1-related disorder. Also called: EPPK1-related condition.

Allele frequency attached by ClinVar (database versions not stated): ExAC 0.05992.

Submission:

PreventionGenetics, part of Exact Sciences
Classification: Benign for EPPK1-related condition. Last evaluated: 2021-04-14. Review status: no assertion criteria provided. Collection method: clinical testing. Allele origin: germline.
Comment: This variant is classified as benign based on ACMG/AMP sequence variant interpretation guidelines (Richards et al. 2015 PMID: 25741868, with internal and published modifications).

NM_031308.4(EPPK1):c.6636_6637insAT (p.Asp2213fs)

Gene: EPPK1 (epiplakin 1; minus strand). Cytogenetic location: 8q24.3.
Variant type: Insertion.
Coding change: c.6636_6637insAT on transcript NM_031308.4 (MANE Select); coding-DNA positions 6636 to 6637, AT inserted.
Protein change: p.Asp2213fs; shifts the reading frame from aspartic acid 2213.
Molecular consequence: frameshift variant.
Genome position: GRCh38 VCF-style: chr8-143866617-C-CAT. GRCh37 (hg19) VCF-style: chr8-144940785-C-CAT.
Other names: short protein forms D2213fs.
Identifiers: ClinVar variation 3035540 (VCV003035540.2), dbSNP rs782002079, ClinGen allele CA4921624.